The following is an entry in ClinVar:

NM_006363.6(SEC23B):c.249G>A (p.Trp83Ter)

Gene: SEC23B (SEC23 homolog B, COPII component; plus strand). Cytogenetic location: 20p11.23.
Variant type: single nucleotide variant.
Coding change: c.249G>A on transcript NM_006363.6 (MANE Select); coding-DNA position 249, G replaced by A.
Protein change: p.Trp83Ter; replaces tryptophan 83 with a stop codon.
Molecular consequence: nonsense.
Genome position (GRCh38, 1-based): chr20:18,512,252, G>A. VCF-style: chr20-18512252-G-A. GRCh37 (hg19) VCF-style: chr20-18492896-G-A.
Other names: c.249G>A, p.Trp83Ter (NM_001172745.3, NM_001172746.3, NM_032985.6 and 1 more transcripts); short protein forms W83*.
Identifiers: ClinVar variation 2940684 (VCV002940684.3), dbSNP rs1413836890, ClinGen allele CA408356128.

ClinVar aggregate classification (germline): Pathogenic (1 of 4 stars; one submission).

Conditions:
Congenital dyserythropoietic anemia, type II (CDAN2). Also called: DYSERYTHROPOIETIC ANEMIA, HEMPAS TYPE. Identifiers: Orphanet 98873, MedGen C1306589, MONDO:0009134, OMIM 224100.
Cowden syndrome 7 (CWS7). Identifiers: Orphanet 201, MedGen C4225179, MONDO:0014802, OMIM 616858.

Allele frequency attached by ClinVar (database versions not stated): gnomAD exomes below 0.00001; gnomAD 0.00001; TOPMed 0.00001.
gnomAD v4.1: 2 of 1,591,932 alleles (0.00013%); highest among the groups gnomAD compares: Non-Finnish European, 0.00017%; no homozygotes.

Submission:

Labcorp Genetics (formerly Invitae), Labcorp
Classification: Pathogenic for Congenital dyserythropoietic anemia, type II; Cowden syndrome 7. Last evaluated: 2023-06-24. Review status: criteria provided, single submitter. Criteria: Invitae Variant Classification Sherloc (09022015). Collection method: clinical testing. Allele origin: germline.
Comment: For these reasons, this variant has been classified as Pathogenic. This variant has not been reported in the literature in individuals affected with SEC23B-related conditions. This variant is not present in population databases (gnomAD no frequency). This sequence change creates a premature translational stop signal (p.Trp83*) in the SEC23B gene. It is expected to result in an absent or disrupted protein product. Loss-of-function variants in SEC23B are known to be pathogenic (PMID: 19561605, 25044164).

Literature cited by the submitters: PubMed 19561605; PubMed 25044164.